The following is an entry in ClinVar:

ClinVar aggregate classification (germline): Likely benign (1 of 4 stars; one submission).

Allele frequency attached by ClinVar (database versions not stated): gnomAD exomes below 0.00001.

Submission:

Laboratory for Molecular Medicine, Mass General Brigham Personalized Medicine
Classification: Likely benign. Last evaluated: 2015-07-23. Review status: criteria provided, single submitter. Criteria: LMM Criteria. Collection method: clinical testing. Allele origin: germline. Observed: 1 variant allele.
Comment: p.Phe14Phe in exon 1 of CRYAB: This variant is not expected to have clinical sig nificance because it does not alter an amino acid residue and is not located wit hin the splice consensus sequence.

NM_001289808.2(CRYAB):c.42C>T (p.Phe14=)

Gene: CRYAB (crystallin alpha B; minus strand). Cytogenetic location: 11q23.1.
Variant type: single nucleotide variant.
Coding change: c.42C>T on transcript NM_001289808.2 (MANE Select); coding-DNA position 42, C replaced by T.
Protein change: p.Phe14=; no amino-acid change (phenylalanine 14 retained).
Molecular consequence: synonymous variant.
Genome position (GRCh38, 1-based): chr11:111,911,683, G>A on the plus strand (C>T on the coding strand, the complement: CRYAB is on the minus strand). VCF-style: chr11-111911683-G-A. GRCh37 (hg19) VCF-style: chr11-111782407-G-A.
Other names: c.42C>T, p.Phe14= (NM_001289807.1, NM_001368245.1, NM_001885.3).
Identifiers: ClinVar variation 227276 (VCV000227276.4), dbSNP rs876657445, ClinGen allele CA10577192.